The following is an entry in ClinVar:

ClinVar aggregate classification (germline): Uncertain significance. Review status: criteria provided, multiple submitters, no conflicts (2 of 4 stars). 4 submissions from 4 submitters: Uncertain significance (4). Last evaluated 2026-08-13.

Conditions:
Malignant hyperthermia, susceptibility to, 1 (MHS1). Also called: Anesthesia related hyperthermia; Malignant hyperpyrexia; Fulminating hyperpyrexia; Pharmacogenic myopathy; RYR1-Related Malignant Hyperthermia Susceptibility; Malignant hyperthermia suceptibility 1. Identifiers: Orphanet 423, MedGen C2930980, MONDO:0007783, OMIM 145600.
Inborn genetic diseases. Identifiers: MedGen C0950123, MeSH D030342.

Submissions (4):

Ambry Genetics
Classification: Uncertain significance for Inborn genetic diseases. Last evaluated: 2026-08-13. Review status: criteria provided, single submitter. Criteria: Ambry Variant Classification Scheme 2023. Collection method: clinical testing. Allele origin: germline.

All of Us Research Program, National Institutes of Health
Classification: Uncertain significance for Malignant hyperthermia, susceptibility to, 1. Last evaluated: 2023-10-02. Review status: criteria provided, single submitter. Criteria: ACMG Guidelines, 2015. Collection method: clinical testing. Allele origin: germline. Inheritance: Autosomal dominant inheritance. Observed: 1 variant allele, 1 heterozygote.
Comment: This missense variant replaces serine with asparagine at codon 1985 of the RYR1 protein. Computational prediction suggests that this variant may not impact protein structure and function (internally defined REVEL score threshold <= 0.5, PMID: 27666373). To our knowledge, functional studies have not been reported for this variant. This variant has not been reported in individuals affected with RYR1-related disorders in the literature. This variant has not been identified in the general population by the Genome Aggregation Database (gnomAD). The available evidence is insufficient to determine the role of this variant in disease conclusively. Therefore, this variant is classified as a Variant of Uncertain Significance.

This study involves interpretation of variants in research participants for the purpose of population health screening. Participant phenotype was not available at the time of variant classification. Additional details can be found in publication PMID: 35346344, PMCID: PMC8962531

Color Diagnostics, LLC DBA Color Health
Classification: Uncertain significance for Malignant hyperthermia, susceptibility to, 1. Last evaluated: 2023-09-13. Review status: criteria provided, single submitter. Criteria: ACMG Guidelines, 2015. Collection method: clinical testing. Allele origin: germline.
Comment: This missense variant replaces serine with asparagine at codon 1985 of the RYR1 protein. Computational prediction suggests that this variant may not impact protein structure and function. To our knowledge, functional studies have not been reported for this variant. This variant has not been reported in individuals affected with RYR1-related disorders in the literature. This variant has not been identified in the general population by the Genome Aggregation Database (gnomAD). The available evidence is insufficient to determine the role of this variant in disease conclusively. Therefore, this variant is classified as a Variant of Uncertain Significance.

Revvity Omics, Revvity
Classification: Uncertain significance. Last evaluated: 2020-11-16. Review status: criteria provided, single submitter. Criteria: ACMG Guidelines, 2015. Collection method: clinical testing. Allele origin: germline.

NM_000540.3(RYR1):c.5954G>A (p.Ser1985Asn)

Gene: RYR1 (ryanodine receptor 1; plus strand). Cytogenetic location: 19q13.2.
Variant type: single nucleotide variant.
Coding change: c.5954G>A on transcript NM_000540.3 (MANE Select); coding-DNA position 5954, G replaced by A.
Protein change: p.Ser1985Asn; replaces serine 1985 with asparagine.
Molecular consequence: missense variant.
Genome position (GRCh38, 1-based): chr19:38,490,215, G>A. VCF-style: chr19-38490215-G-A. GRCh37 (hg19) VCF-style: chr19-38980855-G-A.
Other names: c.5954G>A, p.Ser1985Asn (NM_001042723.2); short protein forms S1985N.
Identifiers: ClinVar variation 2435565 (VCV002435565.6), dbSNP rs1441012614, ClinGen allele CA405660560.
Genomic context (GRCh38, chr19:38,490,215, plus strand): 5'-ATGTGGACAAGCTCCAGGCCAACCAGCGGAGCCGCTATGGCCTCCTCATAAAAGCCTTCA[G>A]CATGACCGCAGCAGAGACTGCAAGACGTACCCGCGAGTTCCGCTCCCCACCCCAGGAACA-3'
Protein context (NP_000531.2, residues 1975-1995): SRYGLLIKAF[Ser1985Asn]MTAAETARRT